The following is an entry in ClinVar:

NM_018249.6(CDK5RAP2):c.3558C>T (p.Leu1186=)

Gene: CDK5RAP2 (CDK5 regulatory subunit associated protein 2; minus strand). Cytogenetic location: 9q33.2.
Variant type: single nucleotide variant.
Coding change: c.3558C>T on transcript NM_018249.6 (MANE Select); coding-DNA position 3558, C replaced by T.
Protein change: p.Leu1186=; no amino-acid change (leucine 1186 retained).
Molecular consequence: synonymous variant. On other transcripts: non-coding transcript variant (5).
Genome position (GRCh38, 1-based): chr9:120,439,563, G>A on the plus strand (C>T on the coding strand, the complement: CDK5RAP2 is on the minus strand). VCF-style: chr9-120439563-G-A. GRCh37 (hg19) VCF-style: chr9-123201841-G-A.
Other names: c.3558C>T, p.Leu1186= (NM_001011649.3); c.2868C>T, p.Leu956= (NM_001272039.2).
Identifiers: ClinVar variation 210635 (VCV000210635.16), dbSNP rs146736925, ClinGen allele CA205468.

ClinVar aggregate classification (germline): Conflicting classifications of pathogenicity. Review status: criteria provided, conflicting classifications (1 of 4 stars). 3 submissions from 3 submitters: Uncertain significance (1); Benign (1). 1 of the submissions does not count toward it. Last evaluated 2025-10-16.

Conditions:
CDK5RAP2-related disorder. Also called: CDK5RAP2-related condition.

Allele frequency attached by ClinVar (database versions not stated): gnomAD exomes 0.00014 and 0.00031; 1000 Genomes Project 0.00020; ExAC 0.00035; 1000 Genomes Project 30x 0.00047; gnomAD 0.00098 and 0.00110; TOPMed 0.00120; ESP Exome Variant Server 0.00161.
gnomAD v4.1: 355 of 1,614,204 alleles (0.022%); highest among the groups gnomAD compares: African/African-American, 0.39%; 1 homozygote.

Submissions (3):

Labcorp Genetics (formerly Invitae), Labcorp
Classification: Benign. Last evaluated: 2025-10-16. Review status: criteria provided, single submitter. Criteria: Invitae Variant Classification Sherloc (09022015). Collection method: clinical testing. Allele origin: germline.

Genetic Services Laboratory, University of Chicago
Classification: Uncertain significance. Last evaluated: 2015-02-04. Review status: criteria provided, single submitter. Criteria: ACMG Guidelines, 2015. Collection method: clinical testing. Allele origin: germline.

PreventionGenetics, part of Exact Sciences
Classification: Likely benign for CDK5RAP2-related condition. Last evaluated: 2019-06-04. Review status: no assertion criteria provided. Collection method: clinical testing. Allele origin: germline. Not counted in ClinVar's aggregate classification.
Comment: This variant is classified as likely benign based on ACMG/AMP sequence variant interpretation guidelines (Richards et al. 2015 PMID: 25741868, with internal and published modifications).